The following is an entry in ClinVar:

ClinVar aggregate classification (germline): Conflicting classifications of pathogenicity. Review status: criteria provided, conflicting classifications (1 of 4 stars). 3 submissions from 3 submitters: Uncertain significance (2); Likely benign (1). Last evaluated 2025-06-02.

Conditions:
Inborn genetic diseases. Identifiers: MedGen C0950123, MeSH D030342.
DCHS1-related disorder. Also called: DCHS1-related condition.

Allele frequency attached by ClinVar (database versions not stated): gnomAD 0.00001; gnomAD exomes 0.00001; ExAC 0.00002; TOPMed 0.00002; ESP Exome Variant Server 0.00008.
gnomAD v4.1: 16 of 1,612,606 alleles (0.00099%); highest among the groups gnomAD compares: African/African-American, 0.0053%; no homozygotes.

Submissions (3):

PreventionGenetics, part of Exact Sciences
Classification: Uncertain significance for DCHS1-related condition. Last evaluated: 2025-06-02. Review status: criteria provided, single submitter. Criteria: ACMG Guidelines, 2015. Collection method: clinical testing. Allele origin: germline.
Comment: The DCHS1 c.6227C>T variant is predicted to result in the amino acid substitution p.Thr2076Met. To our knowledge, this variant has not been reported in the literature. This variant is reported in 0.0062% of alleles in individuals of African descent in gnomAD. At this time, the clinical significance of this variant is uncertain due to the absence of conclusive functional and genetic evidence.

Ambry Genetics
Classification: Likely benign for Inborn genetic diseases. Last evaluated: 2024-12-31. Review status: criteria provided, single submitter. Criteria: Ambry Variant Classification Scheme 2023. Collection method: clinical testing. Allele origin: germline.

Labcorp Genetics (formerly Invitae), Labcorp
Classification: Uncertain significance. Last evaluated: 2023-11-25. Review status: criteria provided, single submitter. Criteria: Invitae Variant Classification Sherloc (09022015). Collection method: clinical testing. Allele origin: germline.
Comment: This sequence change replaces threonine, which is neutral and polar, with methionine, which is neutral and non-polar, at codon 2076 of the DCHS1 protein (p.Thr2076Met). This variant is present in population databases (rs148425035, gnomAD 0.005%). This variant has not been reported in the literature in individuals affected with DCHS1-related conditions. ClinVar contains an entry for this variant (Variation ID: 1898195). Algorithms developed to predict the effect of missense changes on protein structure and function output the following: SIFT: "Not Available"; PolyPhen-2: "Benign"; Align-GVGD: "Not Available". The methionine amino acid residue is found in multiple mammalian species, which suggests that this missense change does not adversely affect protein function. In summary, the available evidence is currently insufficient to determine the role of this variant in disease. Therefore, it has been classified as a Variant of Uncertain Significance.

NM_003737.4(DCHS1):c.6227C>T (p.Thr2076Met)

Gene: DCHS1 (dachsous cadherin-related 1; minus strand). Cytogenetic location: 11p15.4.
Variant type: single nucleotide variant.
Coding change: c.6227C>T on transcript NM_003737.4 (MANE Select); coding-DNA position 6227, C replaced by T.
Protein change: p.Thr2076Met; replaces threonine 2076 with methionine.
Molecular consequence: missense variant.
Genome position (GRCh38, 1-based): chr11:6,626,812, G>A on the plus strand (C>T on the coding strand, the complement: DCHS1 is on the minus strand). VCF-style: chr11-6626812-G-A. GRCh37 (hg19) VCF-style: chr11-6648043-G-A.
Other names: c.6227C>T (NM_003737.3, NM_003737.2); short protein forms T2076M.
Identifiers: ClinVar variation 1898195 (VCV001898195.7), dbSNP rs148425035, ClinGen allele CA5859933.